The following is an entry in ClinVar:

NM_000429.3(MAT1A):c.350T>C (p.Ile117Thr)

Gene: MAT1A (methionine adenosyltransferase 1A; minus strand). Cytogenetic location: 10q22.3.
Variant type: single nucleotide variant.
Coding change: c.350T>C on transcript NM_000429.3 (MANE Select); coding-DNA position 350, T replaced by C.
Protein change: p.Ile117Thr; replaces isoleucine 117 with threonine.
Molecular consequence: missense variant.
Genome position (GRCh38, 1-based): chr10:80,280,735, A>G on the plus strand (T>C on the coding strand, the complement: MAT1A is on the minus strand). VCF-style: chr10-80280735-A-G. GRCh37 (hg19) VCF-style: chr10-82040491-A-G.
Other names: c.350T>C (NM_000429.2); short protein forms I117T.
Identifiers: ClinVar variation 1016962 (VCV001016962.10), dbSNP rs1841555804, ClinGen allele CA377363034.

ClinVar aggregate classification (germline): Uncertain significance. Review status: criteria provided, multiple submitters, no conflicts (2 of 4 stars). 2 submissions from 2 submitters: Uncertain significance (2). Last evaluated 2025-03-31.

Conditions:
MAT1A-related disorder. Also called: MAT1A-related condition.
Hepatic methionine adenosyltransferase deficiency. Also called: Methionine adenosyltransferase deficiency; MAT I/III DEFICIENCY; Isolated Persistent Hypermethioninemia; Deficiency of methionine adenosyltransferase. Identifiers: Orphanet 168598, MedGen C0268621, MeSH C564683, MONDO:0009607, OMIM 250850.

Submissions (2):

PreventionGenetics, part of Exact Sciences
Classification: Uncertain significance for MAT1A-related condition. Last evaluated: 2025-03-31. Review status: criteria provided, single submitter. Criteria: ACMG Guidelines, 2015. Collection method: clinical testing. Allele origin: germline.
Comment: The MAT1A c.350T>C variant is predicted to result in the amino acid substitution p.Ile117Thr. This variant was reported in the heterozygous state along with a second MAT1A variant in an individual diagnosed with methionine adenosyltransferase deficiency (Tong et al. 2022. PubMed ID: 36704196). This variant has not been reported in a large population database (gnomAD), indicating this variant is rare. At this time, the clinical significance of this variant is uncertain due to the absence of conclusive functional and genetic evidence.

Labcorp Genetics (formerly Invitae), Labcorp
Classification: Uncertain significance for Hepatic methionine adenosyltransferase deficiency. Last evaluated: 2022-07-13. Review status: criteria provided, single submitter. Criteria: Invitae Variant Classification Sherloc (09022015). Collection method: clinical testing. Allele origin: germline.
Comment: Algorithms developed to predict the effect of missense changes on protein structure and function (SIFT, PolyPhen-2, Align-GVGD) all suggest that this variant is likely to be disruptive. This sequence change replaces isoleucine, which is neutral and non-polar, with threonine, which is neutral and polar, at codon 117 of the MAT1A protein (p.Ile117Thr). This variant is not present in population databases (gnomAD no frequency). This variant has not been reported in the literature in individuals affected with MAT1A-related conditions. ClinVar contains an entry for this variant (Variation ID: 1016962). In summary, the available evidence is currently insufficient to determine the role of this variant in disease. Therefore, it has been classified as a Variant of Uncertain Significance.